The following is an entry in ClinVar:

NM_001242957.3(MAK):c.1317-10G>A

Gene: MAK (male germ cell associated kinase; minus strand). Cytogenetic location: 6p24.2.
Variant type: single nucleotide variant.
Coding change: c.1317-10G>A on transcript NM_001242957.3 (MANE Select); 10 bases into the intron before coding-DNA position 1317, G replaced by A.
Molecular consequence: intron variant.
Genome position (GRCh38, 1-based): chr6:10,784,582, C>T on the plus strand (G>A on the coding strand, the complement: MAK is on the minus strand). VCF-style: chr6-10784582-C-T. GRCh37 (hg19) VCF-style: chr6-10784815-C-T.
Other names: c.1215-10G>A (NM_001377262.1); c.1317-10G>A (NM_005906.6, NM_001242385.2).
Identifiers: ClinVar variation 2112072 (VCV002112072.4), dbSNP rs970249596, ClinGen allele CA134107946.
Genomic context (GRCh38, chr6:10,784,582, plus strand): 5'-TTGTTTTCCCCTGTCGAGTGGTTGGAGCCTGAGGGTACTGGCTCTGGAAGCCTTGAAAGC[C>T]AATGAAAGGTAGCATTACAGCACGAACAACGAGAGGATCTCGCCCACCCTCTGCACATCT-3'

ClinVar aggregate classification (germline): Uncertain significance (1 of 4 stars; one submission).

Submission:

Labcorp Genetics (formerly Invitae), Labcorp
Classification: Uncertain significance. Last evaluated: 2022-07-29. Review status: criteria provided, single submitter. Criteria: Invitae Variant Classification Sherloc (09022015). Collection method: clinical testing. Allele origin: germline.
Comment: This sequence change falls in intron 9 of the MAK gene. It does not directly change the encoded amino acid sequence of the MAK protein. This variant is not present in population databases (gnomAD no frequency). This variant has not been reported in the literature in individuals affected with MAK-related conditions. Algorithms developed to predict the effect of sequence changes on RNA splicing suggest that this variant may disrupt the consensus splice site. In summary, the available evidence is currently insufficient to determine the role of this variant in disease. Therefore, it has been classified as a Variant of Uncertain Significance.